The following is an entry in ClinVar:

ClinVar aggregate classification (germline): Uncertain significance (1 of 4 stars; one submission).

Conditions:
Severe combined immunodeficiency due to DNA-PKcs deficiency. Also called: IMMUNODEFICIENCY 26 WITH NEUROLOGIC ABNORMALITIES; Immunodeficiency 26 with or without neurologic abnormalities. Identifiers: Orphanet 317425, MedGen C4014833, MONDO:0014423, OMIM 615966.

Allele frequency attached by ClinVar (database versions not stated): gnomAD exomes 0.00001; gnomAD 0.00002; TOPMed 0.00002.
gnomAD v4.1: 22 of 1,608,712 alleles (0.0014%); highest among the groups gnomAD compares: Non-Finnish European, 0.0019%; no homozygotes.

Submission:

Labcorp Genetics (formerly Invitae), Labcorp
Classification: Uncertain significance for Severe combined immunodeficiency due to DNA-PKcs deficiency. Last evaluated: 2022-02-04. Review status: criteria provided, single submitter. Criteria: Invitae Variant Classification Sherloc (09022015). Collection method: clinical testing. Allele origin: germline.
Comment: ClinVar contains an entry for this variant (Variation ID: 858327). In summary, the available evidence is currently insufficient to determine the role of this variant in disease. Therefore, it has been classified as a Variant of Uncertain Significance. This variant has not been reported in the literature in individuals affected with PRKDC-related conditions. This variant is not present in population databases (gnomAD no frequency). This sequence change replaces serine, which is neutral and polar, with threonine, which is neutral and polar, at codon 1823 of the PRKDC protein (p.Ser1823Thr).

NM_006904.7(PRKDC):c.5467T>A (p.Ser1823Thr)

Gene: PRKDC (protein kinase, DNA-activated, catalytic subunit; minus strand). Cytogenetic location: 8q11.21.
Variant type: single nucleotide variant.
Coding change: c.5467T>A on transcript NM_006904.7 (MANE Select); coding-DNA position 5467, T replaced by A.
Protein change: p.Ser1823Thr; replaces serine 1823 with threonine.
Molecular consequence: missense variant.
Genome position (GRCh38, 1-based): chr8:47,864,660, A>T on the plus strand (T>A on the coding strand, the complement: PRKDC is on the minus strand). VCF-style: chr8-47864660-A-T. GRCh37 (hg19) VCF-style: chr8-48777221-A-T.
Other names: c.5467T>A, p.Ser1823Thr (NM_001081640.2); short protein forms S1823T.
Identifiers: ClinVar variation 858327 (VCV000858327.7), dbSNP rs1228013096, ClinGen allele CA371163502.